The following is an entry in ClinVar:

NM_032043.3(BRIP1):c.2371G>T (p.Asp791Tyr)

Gene: BRIP1 (BRCA1 interacting DNA helicase 1; minus strand). Cytogenetic location: 17q23.2.
Variant type: single nucleotide variant.
Coding change: c.2371G>T on transcript NM_032043.3 (MANE Select); coding-DNA position 2371, G replaced by T.
Protein change: p.Asp791Tyr; replaces aspartic acid 791 with tyrosine.
Molecular consequence: missense variant.
Genome position (GRCh38, 1-based): chr17:61,743,021, C>A on the plus strand (G>T on the coding strand, the complement: BRIP1 is on the minus strand). VCF-style: chr17-61743021-C-A. GRCh37 (hg19) VCF-style: chr17-59820382-C-A.
Other names: short protein forms D791Y.
Identifiers: ClinVar variation 1317378 (VCV001317378.5), dbSNP rs1289778155, ClinGen allele CA400482535.

ClinVar aggregate classification (germline): Uncertain significance. Review status: criteria provided, multiple submitters, no conflicts (2 of 4 stars). 2 submissions from 2 submitters: Uncertain significance (2). Last evaluated 2023-08-30.

Conditions:
Familial cancer of breast. Also called: Hereditary breast cancer; hereditary breast carcinoma; BREAST CANCER, FAMILIAL. Identifiers: Orphanet 227535, MedGen C0346153, MONDO:0016419, OMIM 114480. Disease mechanism: loss of function.
Fanconi anemia complementation group J. Also called: BRIP1-Related Fanconi Anemia. Identifiers: Orphanet 84, MedGen C1836860, MONDO:0012187, OMIM 609054.

Allele frequency attached by ClinVar (database versions not stated): gnomAD 0.00001.
gnomAD v4.1: 1 of 1,613,822 alleles (0.000062%); highest among the groups gnomAD compares: Non-Finnish European, 0.000085%; no homozygotes.

Submissions (2):

Labcorp Genetics (formerly Invitae), Labcorp
Classification: Uncertain significance for Familial cancer of breast; Fanconi anemia complementation group J. Last evaluated: 2023-08-30. Review status: criteria provided, single submitter. Criteria: Invitae Variant Classification Sherloc (09022015). Collection method: clinical testing. Allele origin: germline.
Comment: In summary, the available evidence is currently insufficient to determine the role of this variant in disease. Therefore, it has been classified as a Variant of Uncertain Significance. Advanced modeling of protein sequence and biophysical properties (such as structural, functional, and spatial information, amino acid conservation, physicochemical variation, residue mobility, and thermodynamic stability) performed at Invitae indicates that this missense variant is expected to disrupt BRIP1 protein function. ClinVar contains an entry for this variant (Variation ID: 1317378). This variant has not been reported in the literature in individuals affected with BRIP1-related conditions. This variant is present in population databases (no rsID available, gnomAD 0.01%). This sequence change replaces aspartic acid, which is acidic and polar, with tyrosine, which is neutral and polar, at codon 791 of the BRIP1 protein (p.Asp791Tyr).

GeneDx
Classification: Uncertain significance. Last evaluated: 2020-10-14. Review status: criteria provided, single submitter. Criteria: GeneDx Variant Classification Process June 2021. Collection method: clinical testing. Allele origin: germline. Affected: yes.
Comment: In silico analysis supports that this missense variant has a deleterious effect on protein structure/function; Has not been previously published as pathogenic or benign to our knowledge